The following is an entry in ClinVar:

ClinVar aggregate classification (germline): Uncertain significance (1 of 4 stars; one submission).

Submission:

GeneDx
Classification: Uncertain significance. Last evaluated: 2024-10-02. Review status: criteria provided, single submitter. Criteria: GeneDx Variant Classification Process June 2021. Collection method: clinical testing. Allele origin: germline. Affected: yes.
Comment: Not observed at significant frequency in large population cohorts (gnomAD); In silico analysis supports that this missense variant has a deleterious effect on protein structure/function; Has not been previously published as pathogenic or benign to our knowledge

NM_001039876.3(SYNE4):c.529G>C (p.Glu177Gln)

Gene: SYNE4 (spectrin repeat containing nuclear envelope family member 4; minus strand). Cytogenetic location: 19q13.12.
Variant type: single nucleotide variant.
Coding change: c.529G>C on transcript NM_001039876.3 (MANE Select); coding-DNA position 529, G replaced by C.
Protein change: p.Glu177Gln; replaces glutamic acid 177 with glutamine.
Molecular consequence: missense variant. On other transcripts: intron variant (1).
Genome position (GRCh38, 1-based): chr19:36,006,839, C>G on the plus strand (G>C on the coding strand, the complement: SYNE4 is on the minus strand). VCF-style: chr19-36006839-C-G. GRCh37 (hg19) VCF-style: chr19-36497741-C-G.
Other names: c.280-168G>C (NM_001297735.3); short protein forms E177Q.
Identifiers: ClinVar variation 3776427 (VCV003776427.1).